The following is an entry in ClinVar:

ClinVar aggregate classification (germline): Conflicting classifications of pathogenicity. Review status: criteria provided, conflicting classifications (1 of 4 stars). 4 submissions from 4 submitters: Uncertain significance (3); Likely benign (1). Last evaluated 2026-03-11.

Conditions:
Von Hippel-Lindau syndrome (VHLS). Also called: Von Hippel-Lindau; von Hippel–Lindau syndrome; VHL syndrome. Identifiers: Orphanet 892, MedGen C0019562, MONDO:0008667, OMIM 193300. Disease mechanism: loss of function.
Chuvash polycythemia. Also called: POLYCYTHEMIA, VHL-DEPENDENT. Identifiers: Orphanet 238557, MedGen C1837915, MONDO:0009892, OMIM 263400.
Hereditary cancer-predisposing syndrome. Also called: Hereditary neoplastic syndrome; Neoplastic Syndromes, Hereditary; Tumor predisposition; Hereditary Cancer Syndrome. Identifiers: Orphanet 140162, MedGen C0027672, MeSH D009386, MONDO:0015356.

Submissions (4):

Ambry Genetics
Classification: Likely benign for Hereditary cancer-predisposing syndrome. Last evaluated: 2026-03-11. Review status: criteria provided, single submitter. Criteria: Ambry Variant Classification Scheme 2023. Collection method: clinical testing. Allele origin: germline.

Color Diagnostics, LLC DBA Color Health
Classification: Uncertain significance for Von Hippel-Lindau syndrome. Last evaluated: 2025-05-30. Review status: criteria provided, single submitter. Criteria: ACMG Guidelines, 2015. Collection method: clinical testing. Allele origin: germline.
Comment: This missense variant replaces isoleucine with valine at codon 206 of the VHL protein. Computational prediction is inconclusive regarding the impact of this variant on protein structure and function. A functional study has shown the mutant protein to exhibit normal function (PMID: 38969834). This variant has not been reported in individuals affected with VHL-related disorders in the literature. This variant has not been identified in the general population by the Genome Aggregation Database (gnomAD). The available evidence is insufficient to determine the role of this variant in disease conclusively. Therefore, this variant is classified as a Variant of Uncertain Significance.

Labcorp Genetics (formerly Invitae), Labcorp
Classification: Uncertain significance for Von Hippel-Lindau syndrome; Chuvash polycythemia. Last evaluated: 2025-04-09. Review status: criteria provided, single submitter. Criteria: Invitae Variant Classification Sherloc (09022015). Collection method: clinical testing. Allele origin: germline.
Comment: This sequence change replaces isoleucine, which is neutral and non-polar, with valine, which is neutral and non-polar, at codon 206 of the VHL protein (p.Ile206Val). This variant is not present in population databases (gnomAD no frequency). This variant has not been reported in the literature in individuals affected with VHL-related conditions. ClinVar contains an entry for this variant (Variation ID: 2155213). Invitae Evidence Modeling of protein sequence and biophysical properties (such as structural, functional, and spatial information, amino acid conservation, physicochemical variation, residue mobility, and thermodynamic stability) indicates that this missense variant is not expected to disrupt VHL protein function with a negative predictive value of 95%. In summary, the available evidence is currently insufficient to determine the role of this variant in disease. Therefore, it has been classified as a Variant of Uncertain Significance.

Baylor Genetics
Classification: Uncertain significance for Chuvash polycythemia. Last evaluated: 2023-11-10. Review status: criteria provided, single submitter. Criteria: ACMG Guidelines, 2015. Collection method: clinical testing. Allele origin: unknown.

Literature cited by the submitters: PubMed 38969834 (cited by Ambry Genetics and Color Diagnostics, LLC DBA Color Health).

NM_000551.4(VHL):c.616A>G (p.Ile206Val)

Genes: VHL (von Hippel-Lindau tumor suppressor; plus strand), LOC107303340 (3p25 von Hippel-Lindau tumor suppressor, E3 ubiquitin protein ligase Alu-mediated recombination region; plus strand). Cytogenetic location: 3p25.3.
Variant type: single nucleotide variant.
Coding change: c.616A>G on transcript NM_000551.4 (MANE Select); coding-DNA position 616, A replaced by G.
Protein change: p.Ile206Val; replaces isoleucine 206 with valine.
Molecular consequence: missense variant. On other transcripts: 3 prime UTR variant (1).
Genome position (GRCh38, 1-based): chr3:10,149,939, A>G. VCF-style: chr3-10149939-A-G. GRCh37 (hg19) VCF-style: chr3-10191623-A-G.
Other names: c.*170A>G (NM_001354723.2); c.493A>G, p.Ile165Val (NM_198156.3); short protein forms I165V, I206V.
Identifiers: ClinVar variation 2155213 (VCV002155213.7), dbSNP rs2125130841, ClinGen allele CA351756665.